The following is an entry in ClinVar:

NM_000038.6(APC):c.829G>A (p.Gly277Ser)

Gene: APC (APC regulator of Wnt signaling pathway; plus strand). Cytogenetic location: 5q22.2.
Variant type: single nucleotide variant.
Coding change: c.829G>A on transcript NM_000038.6 (MANE Select); coding-DNA position 829, G replaced by A.
Protein change: p.Gly277Ser; replaces glycine 277 with serine.
Molecular consequence: missense variant. On other transcripts: 5 prime UTR variant (1).
Genome position (GRCh38, 1-based): chr5:112,801,378, G>A. VCF-style: chr5-112801378-G-A. GRCh37 (hg19) VCF-style: chr5-112137075-G-A.
Other names: c.829G>A, p.Gly277Ser (NM_001127510.3, NM_001354895.2, NM_001354896.2 and 1 more transcripts); c.775G>A, p.Gly259Ser (NM_001127511.3); c.859G>A, p.Gly287Ser (NM_001354897.2, NM_001354902.2); c.754G>A, p.Gly252Ser (NM_001354898.2, NM_001354904.2); c.745G>A, p.Gly249Ser (NM_001354899.2); c.652G>A, p.Gly218Ser (NM_001354900.2, NM_001354901.2, NM_001354905.2); c.-207G>A (NM_001354906.2); short protein forms G252S, G218S, G277S, G287S, G249S, G259S.
Identifiers: ClinVar variation 959441 (VCV000959441.13), dbSNP rs1760810601, ClinGen allele CA16023140.

ClinVar aggregate classification (germline): Uncertain significance. Review status: criteria provided, multiple submitters, no conflicts (2 of 4 stars). 3 submissions from 3 submitters: Uncertain significance (3). Last evaluated 2024-09-08.

Conditions:
Hereditary cancer-predisposing syndrome. Also called: Tumor predisposition; Hereditary neoplastic syndrome; Neoplastic Syndromes, Hereditary; Hereditary Cancer Syndrome. Identifiers: Orphanet 140162, MedGen C0027672, MeSH D009386, MONDO:0015356.
Familial adenomatous polyposis 1 (FAP1). Also called: POLYPOSIS, ADENOMATOUS INTESTINAL; FAMILIAL ADENOMATOUS POLYPOSIS 1, ATTENUATED. Identifiers: MedGen C2713442, MONDO:0021056, OMIM 175100. Disease mechanism: loss of function.

Submissions (3):

Ambry Genetics
Classification: Uncertain significance for Hereditary cancer-predisposing syndrome. Last evaluated: 2024-09-08. Review status: criteria provided, single submitter. Criteria: Ambry Variant Classification Scheme 2023. Collection method: clinical testing. Allele origin: germline.
Comment: The p.G277S variant (also known as c.829G>A), located in coding exon 7 of the APC gene, results from a G to A substitution at nucleotide position 829. The glycine at codon 277 is replaced by serine, an amino acid with similar properties. This amino acid position is conserved. In addition, in silico predictors for this gene do not accurately predict pathogenicity. Based on the available evidence, the clinical significance of this variant remains unclear.

Baylor Genetics
Classification: Uncertain significance for Familial adenomatous polyposis 1. Last evaluated: 2023-11-14. Review status: criteria provided, single submitter. Criteria: ACMG Guidelines, 2015. Collection method: clinical testing. Allele origin: unknown.

Labcorp Genetics (formerly Invitae), Labcorp
Classification: Uncertain significance for Familial adenomatous polyposis 1. Last evaluated: 2020-09-10. Review status: criteria provided, single submitter. Criteria: Invitae Variant Classification Sherloc (09022015). Collection method: clinical testing. Allele origin: germline.
Comment: In summary, the available evidence is currently insufficient to determine the role of this variant in disease. Therefore, it has been classified as a Variant of Uncertain Significance. Algorithms developed to predict the effect of sequence changes on RNA splicing suggest that this variant may create or strengthen a splice site, but this prediction has not been confirmed by published transcriptional studies. Algorithms developed to predict the effect of missense changes on protein structure and function output the following: SIFT: "Tolerated"; PolyPhen-2: "Benign"; Align-GVGD: "Class C0". The serine amino acid residue is found in multiple mammalian species, suggesting that this missense change does not adversely affect protein function. These predictions have not been confirmed by published functional studies and their clinical significance is uncertain. This variant has not been reported in the literature in individuals with APC-related conditions. This variant is not present in population databases (ExAC no frequency). This sequence change replaces glycine with serine at codon 277 of the APC protein (p.Gly277Ser). The glycine residue is moderately conserved and there is a small physicochemical difference between glycine and serine.